The following is an entry in ClinVar:

ClinVar aggregate classification (germline): Uncertain significance (1 of 4 stars; one submission).

Submission:

Labcorp Genetics (formerly Invitae), Labcorp
Classification: Uncertain significance. Last evaluated: 2025-02-13. Review status: criteria provided, single submitter. Criteria: Invitae Variant Classification Sherloc (09022015). Collection method: clinical testing. Allele origin: germline.
Comment: This sequence change replaces proline, which is neutral and non-polar, with leucine, which is neutral and non-polar, at codon 61 of the ATP5D protein (p.Pro61Leu). The frequency data for this variant in the population databases is considered unreliable, as metrics indicate poor data quality at this position in the gnomAD database. This variant has not been reported in the literature in individuals affected with ATP5D-related conditions. An algorithm developed to predict the effect of missense changes on protein structure and function (PolyPhen-2) suggests that this variant is likely to be disruptive. In summary, the available evidence is currently insufficient to determine the role of this variant in disease. Therefore, it has been classified as a Variant of Uncertain Significance.

NM_001687.5(ATP5F1D):c.182C>T (p.Pro61Leu)

Gene: ATP5F1D (ATP synthase F1 subunit delta; plus strand). Cytogenetic location: 19p13.3.
Variant type: single nucleotide variant.
Coding change: c.182C>T on transcript NM_001687.5 (MANE Select); coding-DNA position 182, C replaced by T.
Protein change: p.Pro61Leu; replaces proline 61 with leucine.
Molecular consequence: missense variant.
Genome position (GRCh38, 1-based): chr19:1,242,496, C>T. VCF-style: chr19-1242496-C-T. GRCh37 (hg19) VCF-style: chr19-1242495-C-T.
Other names: c.182C>T, p.Pro61Leu (NM_001001975.2); short protein forms P61L.
Identifiers: ClinVar variation 4765487 (VCV004765487.1).